The following is an entry in ClinVar:

NM_020812.4(DOCK6):c.1628C>T (p.Pro543Leu)

Gene: DOCK6 (dedicator of cytokinesis 6; minus strand). Cytogenetic location: 19p13.2.
Variant type: single nucleotide variant.
Coding change: c.1628C>T on transcript NM_020812.4 (MANE Select); coding-DNA position 1628, C replaced by T.
Protein change: p.Pro543Leu; replaces proline 543 with leucine.
Molecular consequence: missense variant.
Genome position (GRCh38, 1-based): chr19:11,242,060, G>A on the plus strand (C>T on the coding strand, the complement: DOCK6 is on the minus strand). VCF-style: chr19-11242060-G-A. GRCh37 (hg19) VCF-style: chr19-11352736-G-A.
Other names: c.1628C>T, p.Pro543Leu (NM_001367830.1); short protein forms P543L.
Identifiers: ClinVar variation 1376138 (VCV001376138.8), dbSNP rs1306005365, ClinGen allele CA404107229.
Genomic context (GRCh38, chr19:11,242,060, plus strand): 5'-GAATACCTCCCATTCAAGTGCCCAGCTGGGCCCCAGAGGCCGTACCTGTAGCTGGTATGG[G>A]GGGCATAGACTTCGCGGGCGGGGAACTCCAGAATCTCCTTGGTGGGCCGGCCCCTGGGGT-3'
Protein context (NP_065863.2, residues 533-553): LEFPAREVYA[Pro543Leu]HTSYRNLLYV

ClinVar aggregate classification (germline): Uncertain significance (1 of 4 stars; one submission).

Allele frequency attached by ClinVar (database versions not stated): TOPMed below 0.00001; gnomAD 0.00001.

Submission:

Labcorp Genetics (formerly Invitae), Labcorp
Classification: Uncertain significance. Last evaluated: 2022-08-09. Review status: criteria provided, single submitter. Criteria: Invitae Variant Classification Sherloc (09022015). Collection method: clinical testing. Allele origin: germline.
Comment: In summary, the available evidence is currently insufficient to determine the role of this variant in disease. Therefore, it has been classified as a Variant of Uncertain Significance. Algorithms developed to predict the effect of missense changes on protein structure and function are either unavailable or do not agree on the potential impact of this missense change (SIFT: "Tolerated"; PolyPhen-2: "Probably Damaging"; Align-GVGD: "Class C0"). ClinVar contains an entry for this variant (Variation ID: 1376138). This variant has not been reported in the literature in individuals affected with DOCK6-related conditions. This variant is not present in population databases (gnomAD no frequency). This sequence change replaces proline, which is neutral and non-polar, with leucine, which is neutral and non-polar, at codon 543 of the DOCK6 protein (p.Pro543Leu).